The following is an entry in ClinVar:

NM_000071.3(CBS):c.194A>T (p.His65Leu)

Gene: CBS (cystathionine beta-synthase; minus strand). Cytogenetic location: 21q22.3.
Variant type: single nucleotide variant.
Coding change: c.194A>T on transcript NM_000071.3 (MANE Select); coding-DNA position 194, A replaced by T.
Protein change: p.His65Leu; replaces histidine 65 with leucine.
Molecular consequence: missense variant.
Genome position (GRCh38, 1-based): chr21:43,072,000, T>A on the plus strand (A>T on the coding strand, the complement: CBS is on the minus strand). VCF-style: chr21-43072000-T-A. GRCh37 (hg19) VCF-style: chr21-44492110-T-A.
Other names: c.194A>T, p.His65Leu (NM_001178008.3, NM_001178009.3, NM_001320298.2); short protein forms H65L.
Identifiers: ClinVar variation 2878068 (VCV002878068.3), dbSNP rs1191141364, ClinGen allele CA410602252.

ClinVar aggregate classification (germline): Likely pathogenic (1 of 4 stars; one submission).

Conditions:
HYPERHOMOCYSTEINEMIA, THROMBOTIC, CBS-RELATED. Identifiers: MedGen C3150344, OMIM 236200.

Submission:

Labcorp Genetics (formerly Invitae), Labcorp
Classification: Likely pathogenic for HYPERHOMOCYSTEINEMIA, THROMBOTIC, CBS-RELATED. Last evaluated: 2024-10-28. Review status: criteria provided, single submitter. Criteria: Invitae Variant Classification Sherloc (09022015). Collection method: clinical testing. Allele origin: germline.
Comment: This sequence change replaces histidine, which is basic and polar, with leucine, which is neutral and non-polar, at codon 65 of the CBS protein (p.His65Leu). This variant is not present in population databases (gnomAD no frequency). This variant has not been reported in the literature in individuals affected with CBS-related conditions. Invitae Evidence Modeling of protein sequence and biophysical properties (such as structural, functional, and spatial information, amino acid conservation, physicochemical variation, residue mobility, and thermodynamic stability) indicates that this missense variant is expected to disrupt CBS protein function with a positive predictive value of 95%. This variant disrupts the p.His65 amino acid residue in CBS. Other variant(s) that disrupt this residue have been determined to be pathogenic (PMID: 10687314, 11926827, 22069143). This suggests that this residue is clinically significant, and that variants that disrupt this residue are likely to be disease-causing. In summary, the currently available evidence indicates that the variant is pathogenic, but additional data are needed to prove that conclusively. Therefore, this variant has been classified as Likely Pathogenic.

Literature cited by the submitters: PubMed 10687314; PubMed 11926827; PubMed 22069143.